The following is an entry in ClinVar:

ClinVar aggregate classification (germline): Benign. Review status: criteria provided, multiple submitters, no conflicts (2 of 4 stars). 7 submissions from 3 submitters: Benign (7). Last evaluated 2022-06-24.

Conditions:
Sulfate transporter-related osteochondrodysplasia. Also called: DTDST-related dysplasias. Identifiers: MedGen CN120497. Disease mechanism: loss of function.
Achondrogenesis, type IB (ACG1B). Also called: Achondrogenesis Type 1B. Identifiers: Orphanet 932, Orphanet 93298, MedGen C0265274, MONDO:0010966, OMIM 600972.
Atelosteogenesis type II (AO2). Also called: NEONATAL OSSEOUS DYSPLASIA I; Neonatal osseous dysplasia 1; SLC26A2-Related Atelosteogenesis. Identifiers: Orphanet 56304, MedGen C1850554, MONDO:0009727, OMIM 256050.
Diastrophic dysplasia (DTD). Also called: Diastrophic dwarfism. Identifiers: Orphanet 628, MedGen C0220726, MONDO:0009107, OMIM 222600.
Multiple epiphyseal dysplasia type 4 (EDM4). Also called: MULTIPLE EPIPHYSEAL DYSPLASIA WITH BILAYERED PATELLAE; MULTIPLE EPIPHYSEAL DYSPLASIA WITH CLUBFOOT; MULTIPLE EPIPHYSEAL DYSPLASIA, AUTOSOMAL RECESSIVE; SLC26A2-Related Multiple Epiphyseal Dysplasia; Multiple Epiphyseal Dysplasia, Recessive. Identifiers: Orphanet 93307, MedGen C1847593, MONDO:0009189, OMIM 226900.

Allele frequency attached by ClinVar (database versions not stated): gnomAD 0.04258 and 0.04589; 1000 Genomes Project 0.04673; TOPMed 0.04818; 1000 Genomes Project 30x 0.04934.

Submissions (7):

ARUP Laboratories, Molecular Genetics and Genomics, ARUP Laboratories
Classification: Benign. Last evaluated: 2022-06-24. Review status: criteria provided, single submitter. Criteria: ARUP Molecular Germline Variant Investigation Process 2021. Collection method: clinical testing. Allele origin: germline.

GeneDx
Classification: Benign. Last evaluated: 2021-05-22. Review status: criteria provided, single submitter. Criteria: GeneDx Variant Classification Process June 2021. Collection method: clinical testing. Allele origin: germline. Affected: yes.

Illumina Laboratory Services, Illumina
Classification: Benign for Achondrogenesis, type IB. Last evaluated: 2018-01-12. Review status: criteria provided, single submitter. Criteria: ICSL Variant Classification Criteria 13 December 2019. Collection method: clinical testing. Allele origin: germline.
Comment: This variant was observed in the ICSL laboratory as part of a predisposition screen in an ostensibly healthy population. It had not been previously curated by ICSL or reported in the Human Gene Mutation Database (HGMD: prior to June 1st, 2018), and was therefore a candidate for classification through an automated scoring system. Utilizing variant allele frequency, disease prevalence and penetrance estimates, and inheritance mode, an automated score was calculated to assess if this variant is too frequent to cause the disease. Based on the score and internal cut-off values, a variant classified as benign is not then subjected to further curation. The score for this variant resulted in a classification of benign for this disease.

Illumina Laboratory Services, Illumina
Classification: Benign for Atelosteogenesis type II. Last evaluated: 2018-01-12. Review status: criteria provided, single submitter. Criteria: ICSL Variant Classification Criteria 13 December 2019. Collection method: clinical testing. Allele origin: germline.
Comment: the same text as in the submission from Illumina Laboratory Services, Illumina above.

Illumina Laboratory Services, Illumina
Classification: Benign for Diastrophic dysplasia. Last evaluated: 2018-01-12. Review status: criteria provided, single submitter. Criteria: ICSL Variant Classification Criteria 13 December 2019. Collection method: clinical testing. Allele origin: germline.
Comment: the same text as in the submission from Illumina Laboratory Services, Illumina above.

Illumina Laboratory Services, Illumina
Classification: Benign for Osteochondrodysplasia. Last evaluated: 2018-01-12. Review status: criteria provided, single submitter. Criteria: ICSL Variant Classification Criteria 13 December 2019. Collection method: clinical testing. Allele origin: germline.
Comment: the same text as in the submission from Illumina Laboratory Services, Illumina above.

Illumina Laboratory Services, Illumina
Classification: Benign for Multiple epiphyseal dysplasia type 4. Last evaluated: 2018-01-12. Review status: criteria provided, single submitter. Criteria: ICSL Variant Classification Criteria 13 December 2019. Collection method: clinical testing. Allele origin: germline.
Comment: the same text as in the submission from Illumina Laboratory Services, Illumina above.

NM_000112.4(SLC26A2):c.*4982A>G

Gene: SLC26A2 (solute carrier family 26 member 2; plus strand). Cytogenetic location: 5q32.
Variant type: single nucleotide variant.
Coding change: c.*4982A>G on transcript NM_000112.4 (MANE Select); 4982 bases downstream of the stop codon, A replaced by G.
Molecular consequence: 3 prime UTR variant.
Genome position (GRCh38, 1-based): chr5:149,986,795, A>G. VCF-style: chr5-149986795-A-G. GRCh37 (hg19) VCF-style: chr5-149366358-A-G.
Identifiers: ClinVar variation 352095 (VCV000352095.16), dbSNP rs74589369, ClinGen allele CA10623539.
Genomic context (GRCh38, chr5:149,986,795, plus strand): 5'-TTGTAAGTCTATAGCTAAGCAACTTAAGCCAAAAAGGTCTTTCAACTGAAGCTTTAATCA[A>G]CTTATTTTGGAGATGTTCTCTTCCCTTATCTCATGCGTCATCCCTAAAATAATAAGATAC-3'